The following is an entry in ClinVar:

NM_032888.4(COL27A1):c.1041G>C (p.Thr347=)

Gene: COL27A1 (collagen type XXVII alpha 1 chain; plus strand). Cytogenetic location: 9q32.
Variant type: single nucleotide variant.
Coding change: c.1041G>C on transcript NM_032888.4 (MANE Select); coding-DNA position 1041, G replaced by C.
Protein change: p.Thr347=; no amino-acid change (threonine 347 retained).
Molecular consequence: synonymous variant.
Genome position (GRCh38, 1-based): chr9:114,168,596, G>C. VCF-style: chr9-114168596-G-C. GRCh37 (hg19) VCF-style: chr9-116930876-G-C.
Identifiers: ClinVar variation 738719 (VCV000738719.12), dbSNP rs774426205, ClinGen allele CA5201292.

ClinVar aggregate classification (germline): Benign. Review status: criteria provided, single submitter (1 of 4 stars). 2 submissions from 2 submitters: Benign (1). 1 of the submissions does not count toward it. Last evaluated 2025-08-16.

Conditions:
COL27A1-related disorder. Also called: COL27A1-related condition.

Allele frequency attached by ClinVar (database versions not stated): gnomAD 0.00003; TOPMed 0.00012.
gnomAD v4.1: 106 of 1,613,862 alleles (0.0066%); highest among the groups gnomAD compares: Admixed American, 0.17%; no homozygotes.

Submissions (2):

Labcorp Genetics (formerly Invitae), Labcorp
Classification: Benign. Last evaluated: 2025-08-16. Review status: criteria provided, single submitter. Criteria: Invitae Variant Classification Sherloc (09022015). Collection method: clinical testing. Allele origin: germline.

PreventionGenetics, part of Exact Sciences
Classification: Likely benign for COL27A1-related condition. Last evaluated: 2019-06-24. Review status: no assertion criteria provided. Collection method: clinical testing. Allele origin: germline. Not counted in ClinVar's aggregate classification.
Comment: This variant is classified as likely benign based on ACMG/AMP sequence variant interpretation guidelines (Richards et al. 2015 PMID: 25741868, with internal and published modifications).